The following is an entry in ClinVar:

NM_005120.3(MED12):c.6121G>A (p.Gly2041Ser)

Gene: MED12 (mediator complex subunit 12; plus strand). Cytogenetic location: Xq13.1.
Variant type: single nucleotide variant.
Coding change: c.6121G>A on transcript NM_005120.3 (MANE Select); coding-DNA position 6121, G replaced by A.
Protein change: p.Gly2041Ser; replaces glycine 2041 with serine.
Molecular consequence: missense variant.
Genome position (GRCh38, 1-based): chrX:71,140,711, G>A. VCF-style: chrX-71140711-G-A. GRCh37 (hg19) VCF-style: chrX-70360561-G-A.
Other names: short protein forms G2041S.
Identifiers: ClinVar variation 423622 (VCV000423622.15), dbSNP rs901541873, ClinGen allele CA16621490.
Genomic context (GRCh38, chrX:71,140,711, plus strand): 5'-CTGCAGCAGACACCCATGATAAGTACCATGACTCCAATGAGTGCCCAGGGCGTCCAGGCA[G>A]GCGTCCGTTCAACAGCCATCCTACCTGAGCAGCAGCAGCAGCAGCAACAGCAGCAACAGC-3'
Protein context (NP_005111.2, residues 2031-2051): TPMSAQGVQA[Gly2041Ser]VRSTAILPEQ

ClinVar aggregate classification (germline): Uncertain significance. Review status: criteria provided, multiple submitters, no conflicts (2 of 4 stars). 4 submissions from 4 submitters: Uncertain significance (4). Last evaluated 2025-12-25.

Conditions:
FG syndrome (FGS). Identifiers: MedGen C0220769, MONDO:0002010.
Familial thoracic aortic aneurysm and aortic dissection (TAAD). Also called: Thoracic aortic aneurysms and dissections. Identifiers: Orphanet 91387, MedGen C4707243, MONDO:0019625.
FG syndrome 1 (OKS). Also called: FG Syndrome Type 1 (FGS1); OPITZ-KAVEGGIA SYNDROME; KELLER SYNDROME; MENTAL RETARDATION, LARGE HEAD, IMPERFORATE ANUS, CONGENITAL HYPOTONIA, AND PARTIAL AGENESIS OF CORPUS CALLOSUM. Identifiers: Orphanet 93932, MedGen C5399762, MONDO:0010590, OMIM 305450.

Allele frequency attached by ClinVar (database versions not stated): gnomAD 0.00002; gnomAD exomes 0.00002; TOPMed 0.00002.
gnomAD v4.1: 29 of 1,207,194 alleles (0.0024%); highest among the groups gnomAD compares: Non-Finnish European, 0.003%; no homozygotes.

Submissions (4):

Labcorp Genetics (formerly Invitae), Labcorp
Classification: Uncertain significance for FG syndrome. Last evaluated: 2025-12-25. Review status: criteria provided, single submitter. Criteria: Invitae Variant Classification Sherloc (09022015). Collection method: clinical testing. Allele origin: germline.
Comment: This sequence change replaces glycine, which is neutral and non-polar, with serine, which is neutral and polar, at codon 2041 of the MED12 protein (p.Gly2041Ser). This variant is not present in population databases (gnomAD no frequency). This variant has not been reported in the literature in individuals affected with MED12-related conditions. ClinVar contains an entry for this variant (Variation ID: 423622). Invitae Evidence Modeling of protein sequence and biophysical properties (such as structural, functional, and spatial information, amino acid conservation, physicochemical variation, residue mobility, and thermodynamic stability) indicates that this missense variant is not expected to disrupt MED12 protein function with a negative predictive value of 95%. In summary, the available evidence is currently insufficient to determine the role of this variant in disease. Therefore, it has been classified as a Variant of Uncertain Significance.

Pittsburgh Clinical Genomics Laboratory, University of Pittsburgh Medical Center
Classification: Uncertain significance for FG syndrome 1. Last evaluated: 2023-04-27. Review status: criteria provided, single submitter. Criteria: ACMG Guidelines, 2015. Collection method: clinical testing. Allele origin: germline. Inheritance: X-linked inheritance. Affected: yes.
Comment: This sequence variant is a single nucleotide substitution (G>A) at coding position 6121 of the MED12 gene which results in a glycine to serine amino acid change at residue 2041 in the MED12 protein. This is a previously reported variant (ClinVar) which has not been observed in the medical literature in individuals with MED12-related disease, to our knowledge. This variant is absent from the gnomAD population database (0/~180000 alleles). Bioinformatic tools are inconclusive if this amino acid change is likely to be damaging or tolerated, and glycine is highly conserved at this protein position in vertebrates. Functiol studies assessing the effect of this variant on protein structure or activity have not been performed, to our knowledge. At this time, there is insufficient evidence to determine if this variant is pathogenic or benign. Therefore, we consider it to be a variant of uncertain significance. ACMG Criteria: PM2

Ambry Genetics
Classification: Uncertain significance for Familial thoracic aortic aneurysm and aortic dissection. Last evaluated: 2023-04-24. Review status: criteria provided, single submitter. Criteria: Ambry Variant Classification Scheme 2023. Collection method: clinical testing. Allele origin: germline.

GeneDx
Classification: Uncertain significance. Last evaluated: 2017-02-14. Review status: criteria provided, single submitter. Criteria: GeneDx Variant Classification (06012015). Collection method: clinical testing. Allele origin: germline. Affected: yes.
Comment: A variant of uncertain significance has been identified in the MED12 gene. The G2041S variant has not been published as pathogenic or been reported as benign to our knowledge. This variant is not observed in large population cohorts (Lek et al., 2016; 1000 Genomes Consortium et al., 2015; Exome Variant Server). The G2041S variant is a non-conservative amino acid substitution, which is likely to impact secondary protein structure as these residues differ in polarity, charge, size and/or other properties. However, this substitution occurs at a position that is not conserved across species, and Serine is the wild-type amino acid at this position in at least two species. Furthermore, in silico analysis is inconsistent in its predictions as to whether or not the variant is damaging to the protein structure/function.